The following is an entry in ClinVar:

NM_006662.3(SRCAP):c.5850_5851insATT (p.Thr1950_Tyr1951insIle)

Gene: SRCAP (Snf2 related CREBBP activator protein; plus strand). Cytogenetic location: 16p11.2.
Variant type: Insertion.
Coding change: c.5850_5851insATT on transcript NM_006662.3 (MANE Select); coding-DNA positions 5850 to 5851, ATT inserted.
Protein change: p.Thr1950_Tyr1951insIle.
Molecular consequence: inframe insertion.
Genome position: GRCh38 VCF-style: chr16-30729156-C-CTAT. GRCh37 (hg19) VCF-style: chr16-30740477-C-CTAT.
Identifiers: ClinVar variation 1368026 (VCV001368026.8), dbSNP rs767382265, ClinGen allele CA8012091.
Genomic context (GRCh38, chr16:30,729,156, plus strand): 5'-AACCTGTTGCCAGCCCCATCGGCCCTCGTTCTCCTGGCCCCAGCCACCCCACCTTTTGGA[C>CTAT]TTATACCGAGGCTGCCCACCGGGCTGTACTGTTTCCCCAGCAGCGACTAGACCAGCTGTC-3'

ClinVar aggregate classification (germline): Uncertain significance. Review status: criteria provided, multiple submitters, no conflicts (2 of 4 stars). 2 submissions from 2 submitters: Uncertain significance (2). Last evaluated 2025-03-13.

Conditions:
Developmental delay, hypotonia, musculoskeletal defects, and behavioral abnormalities. Identifiers: MedGen C5562012, MONDO:0859202, OMIM 619595.
Floating-Harbor syndrome (FLHS). Also called: Short stature with delayed bone age, expressive language delay, a triangular face with a prominent nose and deep-set eyes; Pelletier-Leisti syndrome; SRCAP-Related Floating-Harbor Syndrome. Identifiers: Orphanet 2044, MedGen C0729582, MONDO:0007621, OMIM 136140.

Submissions (2):

Labcorp Genetics (formerly Invitae), Labcorp
Classification: Uncertain significance. Last evaluated: 2025-03-13. Review status: criteria provided, single submitter. Criteria: Invitae Variant Classification Sherloc (09022015). Collection method: clinical testing. Allele origin: germline.
Comment: This variant, c.5850_5851insATT, results in the insertion of 1 amino acid(s) of the SRCAP protein (p.Thr1950_Tyr1951insIle), but otherwise preserves the integrity of the reading frame. This variant is present in population databases (rs767382265, gnomAD 0.002%). This variant has not been reported in the literature in individuals affected with SRCAP-related conditions. ClinVar contains an entry for this variant (Variation ID: 1368026). Experimental studies and prediction algorithms are not available or were not evaluated, and the functional significance of this variant is currently unknown. In summary, the available evidence is currently insufficient to determine the role of this variant in disease. Therefore, it has been classified as a Variant of Uncertain Significance.

Fulgent Genetics
Classification: Uncertain significance for Floating-Harbor syndrome; Developmental delay, hypotonia, musculoskeletal defects, and behavioral abnormalities. Last evaluated: 2024-03-27. Review status: criteria provided, single submitter. Criteria: ACMG Guidelines, 2015. Collection method: clinical testing. Allele origin: germline.